The following is an entry in ClinVar:

NM_001042492.3(NF1):c.2251+4A>T

Gene: NF1 (neurofibromin 1; plus strand). Cytogenetic location: 17q11.2.
Variant type: single nucleotide variant.
Coding change: c.2251+4A>T on transcript NM_001042492.3 (MANE Select); 4 bases into the intron after coding-DNA position 2251, A replaced by T.
Molecular consequence: intron variant.
Genome position (GRCh38, 1-based): chr17:31,226,688, A>T. VCF-style: chr17-31226688-A-T. GRCh37 (hg19) VCF-style: chr17-29553706-A-T.
Other names: c.2251+4A>T (NM_000267.4).
Identifiers: ClinVar variation 972509 (VCV000972509.11), dbSNP rs2067021300, ClinGen allele CA1139665423.

ClinVar aggregate classification (germline): Conflicting classifications of pathogenicity. Review status: criteria provided, conflicting classifications (1 of 4 stars). 3 submissions from 3 submitters: Uncertain significance (2); Likely benign (1). Last evaluated 2026-04-29.

Conditions:
Cardiovascular phenotype. Identifiers: MedGen CN230736.
Hereditary cancer-predisposing syndrome. Also called: Hereditary Cancer Syndrome; Neoplastic Syndromes, Hereditary; Tumor predisposition; Hereditary neoplastic syndrome. Identifiers: Orphanet 140162, MedGen C0027672, MeSH D009386, MONDO:0015356.
Neurofibromatosis, type 1 (NF1). Also called: Peripheral type neurofibromatosis; VON RECKLINGHAUSEN DISEASE; Neurofibromatosis, type I; NEUROFIBROMATOSIS, TYPE I, SOMATIC. Identifiers: Orphanet 636, MedGen C0027831, MONDO:0018975, OMIM 162200. Disease mechanism: loss of function.

Submissions (3):

Ambry Genetics
Classification: Likely benign for Cardiovascular phenotype; Hereditary cancer-predisposing syndrome. Last evaluated: 2026-04-29. Review status: criteria provided, single submitter. Criteria: Ambry Variant Classification Scheme 2023. Collection method: clinical testing. Allele origin: germline.

Labcorp Genetics (formerly Invitae), Labcorp
Classification: Uncertain significance for Neurofibromatosis, type 1. Last evaluated: 2025-01-17. Review status: criteria provided, single submitter. Criteria: Invitae Variant Classification Sherloc (09022015). Collection method: clinical testing. Allele origin: germline.
Comment: This sequence change falls in intron 18 of the NF1 gene. It does not directly change the encoded amino acid sequence of the NF1 protein. It affects a nucleotide within the consensus splice site. This variant is not present in population databases (gnomAD no frequency). This variant has not been reported in the literature in individuals affected with NF1-related conditions. ClinVar contains an entry for this variant (Variation ID: 972509). Variants that disrupt the consensus splice site are a relatively common cause of aberrant splicing (PMID: 17576681, 9536098). Algorithms developed to predict the effect of sequence changes on RNA splicing suggest that this variant is not likely to affect RNA splicing. In summary, the available evidence is currently insufficient to determine the role of this variant in disease. Therefore, it has been classified as a Variant of Uncertain Significance.

St. Jude Molecular Pathology, St. Jude Children's Research Hospital
Classification: Uncertain significance for Neurofibromatosis, type 1. Last evaluated: 2023-12-13. Review status: criteria provided, single submitter. Criteria: St. Jude Assertion Criteria 2020. Collection method: clinical testing. Allele origin: germline.
Comment: The NF1 c.2251+4A>T intronic change results in an A to T substitution at the +4 position of intron 18 of the NF1 gene. Algorithms that predict the impact of sequence changes on splicing indicate that this variant does not affect splicing. This variant is absent in gnomAD v2.1.1. To our knowledge, this variant has not been reported in individuals with Neurofibromatosis type 1. In summary, the evidence currently available is insufficient to determine the clinical significance of this variant. It has therefore been classified as of uncertain significance.

Literature cited by the submitters: PubMed 17576681 (cited by Labcorp Genetics (formerly Invitae), Labcorp); PubMed 9536098 (cited by Labcorp Genetics (formerly Invitae), Labcorp).